The following is an entry in ClinVar:

ClinVar aggregate classification (germline): Uncertain significance. Review status: criteria provided, multiple submitters, no conflicts (2 of 4 stars). 2 submissions from 2 submitters: Uncertain significance (2). Last evaluated 2024-02-11.

Submissions (2):

Labcorp Genetics (formerly Invitae), Labcorp
Classification: Uncertain significance. Last evaluated: 2024-02-11. Review status: criteria provided, single submitter. Criteria: Invitae Variant Classification Sherloc (09022015). Collection method: clinical testing. Allele origin: germline.
Comment: This sequence change replaces proline, which is neutral and non-polar, with arginine, which is basic and polar, at codon 135 of the TCF3 protein (p.Pro135Arg). This variant is not present in population databases (gnomAD no frequency). This variant has not been reported in the literature in individuals affected with TCF3-related conditions. ClinVar contains an entry for this variant (Variation ID: 1378075). Advanced modeling of protein sequence and biophysical properties (such as structural, functional, and spatial information, amino acid conservation, physicochemical variation, residue mobility, and thermodynamic stability) performed at Invitae indicates that this missense variant is expected to disrupt TCF3 protein function with a positive predictive value of 80%. In summary, the available evidence is currently insufficient to determine the role of this variant in disease. Therefore, it has been classified as a Variant of Uncertain Significance.

Blueprint Genetics
Classification: Uncertain significance. Last evaluated: 2021-09-08. Review status: criteria provided, single submitter. Criteria: ACMG Guidelines, 2015. Collection method: clinical testing. Allele origin: germline.

NM_003200.5(TCF3):c.404C>G (p.Pro135Arg)

Gene: TCF3 (transcription factor 3; minus strand). Cytogenetic location: 19p13.3.
Variant type: single nucleotide variant.
Coding change: c.404C>G on transcript NM_003200.5 (MANE Select); coding-DNA position 404, C replaced by G.
Protein change: p.Pro135Arg; replaces proline 135 with arginine.
Molecular consequence: missense variant.
Genome position (GRCh38, 1-based): chr19:1,625,671, G>C on the plus strand (C>G on the coding strand, the complement: TCF3 is on the minus strand). VCF-style: chr19-1625671-G-C. GRCh37 (hg19) VCF-style: chr19-1625670-G-C.
Other names: c.404C>G, p.Pro135Arg (NM_001136139.4, NM_001351778.2, NM_001351779.2); short protein forms P135R.
Identifiers: ClinVar variation 1378075 (VCV001378075.9), dbSNP rs1167586863, ClinGen allele CA403057228.
Genomic context (GRCh38, chr19:1,625,671, plus strand): 5'-CCGGAGTAGGAGGGGTAGTACTGGGAGGTCCCCTTCATGCCCGAAGGGGACAGGGGCCCG[G>C]GGCTGTTGAGGGCCAGCTCGCCTGACAGGAAGCCAGCCTGGTGGGGAGCGGATGGTCAGA-3'
Protein context (NP_003191.1, residues 125-145): FLSGELALNS[Pro135Arg]GPLSPSGMKG